The following is an entry in ClinVar:

NM_052947.4(ALPK2):c.325G>C (p.Glu109Gln)

Gene: ALPK2 (alpha kinase 2; minus strand). Cytogenetic location: 18q21.31.
Variant type: single nucleotide variant.
Coding change: c.325G>C on transcript NM_052947.4 (MANE Select); coding-DNA position 325, G replaced by C.
Protein change: p.Glu109Gln; replaces glutamic acid 109 with glutamine.
Molecular consequence: missense variant.
Genome position (GRCh38, 1-based): chr18:58,580,451, C>G on the plus strand (G>C on the coding strand, the complement: ALPK2 is on the minus strand). VCF-style: chr18-58580451-C-G. GRCh37 (hg19) VCF-style: chr18-56247683-C-G.
Other names: short protein forms E109Q.
Identifiers: ClinVar variation 1729517 (VCV001729517.2), dbSNP rs753838001, ClinGen allele CA8977469.
Genomic context (GRCh38, chr18:58,580,451, plus strand): 5'-TTTCATGTTTCCAACCCCTGTCCCTGTCATCTTCCAGGTTAGGAGACAATTGTGGGTTCT[C>G]TGATGAGCACTCAACCTCAACGGAAGCAGAACAACAGATCATTCCAAAAGAGTTTTTAGC-3'
Protein context (NP_443179.3, residues 99-119): SASVEVECSS[Glu109Gln]NPQLSPNLED

ClinVar aggregate classification (germline): Uncertain significance (1 of 4 stars; one submission).

Allele frequency attached by ClinVar (database versions not stated): TOPMed below 0.00001; ExAC 0.00001; gnomAD exomes 0.00001.
gnomAD v4.1: 5 of 1,614,178 alleles (0.00031%); highest among the groups gnomAD compares: Admixed American, 0.0083%; no homozygotes.

Submission:

Ambry Genetics
Classification: Uncertain significance. Last evaluated: 2024-02-29. Review status: criteria provided, single submitter. Criteria: Ambry Variant Classification Scheme 2023. Collection method: clinical testing. Allele origin: germline.
Comment: The p.E109Q variant (also known as c.325G>C), located in coding exon 3 of the ALPK2 gene, results from a G to C substitution at nucleotide position 325. The glutamic acid at codon 109 is replaced by glutamine, an amino acid with highly similar properties. This amino acid position is conserved. In addition, this alteration is predicted to be tolerated by in silico analysis. Since supporting evidence is limited at this time, the clinical significance of this alteration remains unclear.